The following is an entry in ClinVar:

NM_033260.4(FOXQ1):c.302G>A (p.Gly101Asp)

Gene: FOXQ1 (forkhead box Q1; plus strand). Cytogenetic location: 6p25.3.
Variant type: single nucleotide variant.
Coding change: c.302G>A on transcript NM_033260.4 (MANE Select); coding-DNA position 302, G replaced by A.
Protein change: p.Gly101Asp; replaces glycine 101 with aspartic acid.
Molecular consequence: missense variant.
Genome position (GRCh38, 1-based): chr6:1,313,006, G>A. VCF-style: chr6-1313006-G-A. GRCh37 (hg19) VCF-style: chr6-1313241-G-A.
Other names: short protein forms G101D.
Identifiers: ClinVar variation 2656171 (VCV002656171.24), dbSNP rs199626291, ClinGen allele CA3614317.

ClinVar aggregate classification (germline): Likely benign (1 of 4 stars; one submission).

Allele frequency attached by ClinVar (database versions not stated): 1000 Genomes Project 0.00120; ESP Exome Variant Server 0.00386; ExAC 0.02053.

Submission:

CeGaT Center for Human Genetics Tuebingen
Classification: Likely benign. Last evaluated: 2022-12-01. Review status: criteria provided, single submitter. Criteria: CeGaT Center For Human Genetics Tuebingen Variant Classification Criteria Version 2. Collection method: clinical testing. Allele origin: germline. Affected: yes. Observed: 1 variant allele.
Comment: FOXQ1: BS2